The following is an entry in ClinVar:

NM_005618.4(DLL1):c.133T>C (p.Cys45Arg)

Gene: DLL1 (delta like canonical Notch ligand 1; minus strand). Cytogenetic location: 6q27.
Variant type: single nucleotide variant.
Coding change: c.133T>C on transcript NM_005618.4 (MANE Select); coding-DNA position 133, T replaced by C.
Protein change: p.Cys45Arg; replaces cysteine 45 with arginine.
Molecular consequence: missense variant.
Genome position (GRCh38, 1-based): chr6:170,289,730, A>G on the plus strand (T>C on the coding strand, the complement: DLL1 is on the minus strand). VCF-style: chr6-170289730-A-G. GRCh37 (hg19) VCF-style: chr6-170598818-A-G.
Other names: short protein forms C45R.
Identifiers: ClinVar variation 2761993 (VCV002761993.3), dbSNP rs2483363543, ClinGen allele CA366510265.

ClinVar aggregate classification (germline): Uncertain significance (1 of 4 stars; one submission).

Submission:

Labcorp Genetics (formerly Invitae), Labcorp
Classification: Uncertain significance. Last evaluated: 2023-12-20. Review status: criteria provided, single submitter. Criteria: Invitae Variant Classification Sherloc (09022015). Collection method: clinical testing. Allele origin: germline.
Comment: This sequence change replaces cysteine, which is neutral and slightly polar, with arginine, which is basic and polar, at codon 45 of the DLL1 protein (p.Cys45Arg). This variant is not present in population databases (gnomAD no frequency). This variant has not been reported in the literature in individuals affected with DLL1-related conditions. An algorithm developed to predict the effect of missense changes on protein structure and function (PolyPhen-2) suggests that this variant is likely to be disruptive. In summary, the available evidence is currently insufficient to determine the role of this variant in disease. Therefore, it has been classified as a Variant of Uncertain Significance.